The following is an entry in ClinVar:

ClinVar aggregate classification (germline): Uncertain significance (1 of 4 stars; one submission).

Conditions:
Spondylocostal dysostosis 3, autosomal recessive (SCDO3). Also called: LFNG-Related Spondylocostal Dysostosis, Autosomal Recessive. Identifiers: Orphanet 2311, MedGen C1853296, MONDO:0012349, OMIM 609813.

Allele frequency attached by ClinVar (database versions not stated): TOPMed 0.00005; gnomAD 0.00006 and 0.00007.

Submission:

Labcorp Genetics (formerly Invitae), Labcorp
Classification: Uncertain significance for Spondylocostal dysostosis 3, autosomal recessive. Last evaluated: 2022-07-06. Review status: criteria provided, single submitter. Criteria: Invitae Variant Classification Sherloc (09022015). Collection method: clinical testing. Allele origin: germline.
Comment: In summary, the available evidence is currently insufficient to determine the role of this variant in disease. Therefore, it has been classified as a Variant of Uncertain Significance. Algorithms developed to predict the effect of missense changes on protein structure and function (SIFT, PolyPhen-2, Align-GVGD) all suggest that this variant is likely to be tolerated. ClinVar contains an entry for this variant (Variation ID: 1038450). This variant has not been reported in the literature in individuals affected with LFNG-related conditions. This variant is present in population databases (no rsID available, gnomAD 0.01%). This sequence change replaces leucine, which is neutral and non-polar, with valine, which is neutral and non-polar, at codon 13 of the LFNG protein (p.Leu13Val).

NM_001040167.2(LFNG):c.37C>G (p.Leu13Val)

Genes: LFNG (LFNG O-fucosylpeptide 3-beta-N-acetylglucosaminyltransferase; plus strand), LOC129997823 (ATAC-STARR-seq lymphoblastoid silent region 17876; plus strand). Cytogenetic location: 7p22.3.
Variant type: single nucleotide variant.
Coding change: c.37C>G on transcript NM_001040167.2 (MANE Select); coding-DNA position 37, C replaced by G.
Protein change: p.Leu13Val; replaces leucine 13 with valine.
Molecular consequence: missense variant. On other transcripts: intron variant (2).
Genome position (GRCh38, 1-based): chr7:2,519,898, C>G. VCF-style: chr7-2519898-C-G. GRCh37 (hg19) VCF-style: chr7-2559532-C-G.
Other names: c.37C>G, p.Leu13Val (NM_001040168.2); c.220-4797C>G (NM_001166355.2); c.45+1300C>G (NM_002304.3); short protein forms L13V.
Identifiers: ClinVar variation 1038450 (VCV001038450.9), dbSNP rs1425455790, ClinGen allele CA366612787.